The following continues an entry in ClinVar:

NM_000257.4(MYH7):c.3133C>T (p.Arg1045Cys)

Gene: MYH7. ClinVar aggregate classification (germline): Uncertain significance. Uncertain significance (1).

Submissions 7 to 14 of 14:

PreventionGenetics, part of Exact Sciences
Classification: Likely pathogenic for MYH7-related condition. Last evaluated: 2023-02-24. Review status: criteria provided, single submitter. Criteria: ACMG Guidelines, 2015. Collection method: clinical testing. Allele origin: germline. Not counted in ClinVar's aggregate classification.
Comment: The MYH7 c.3133C>T variant is predicted to result in the amino acid substitution p.Arg1045Cys. This variant was reported in multiple individuals with hypertrophic cardiomyopathy (Olivotto et al. 2008. PubMed ID: 18533079; Supplemental Table 1, Bos et al. 2014. PubMed ID: 24793961; Supplemental Dataset S1, Homburger et al. 2016. PubMed ID: 27247418; Lacaze et al. 2021. PubMed ID: 34135346). In addition, other missense variants resulting in a substitution at the p.Arg1045 residue (p.Arg1045His and p.Arg1045Leu) have also been reported in patients with hypertrophic cardiomyopathy (Supplementary Table S1B, Walsh et al. 2017. PubMed ID: 27532257; Supplemental Dataset S1, Homburger et al. 2016. PubMed ID: 27247418). This variant is reported in 0.0096% of alleles in individuals of Ashkenazi Jewish descent in gnomAD. This variant is interpreted as likely pathogenic.

3billion
Classification: Pathogenic for Hypertrophic cardiomyopathy 1. Last evaluated: 2023-02-23. Review status: criteria provided, single submitter. Criteria: ACMG Guidelines, 2015. Collection method: clinical testing. Allele origin: unknown. Affected: yes. Not counted in ClinVar's aggregate classification.
Comment: The variant is observed at an extremely low frequency in the gnomAD v2.1.1 dataset (total allele frequency: 0.003%). In silico tool predictions suggest damaging effect of the variant on gene or gene product (REVEL: 0.93; 3Cnet: 0.38). Same nucleotide change resulting in same amino acid change (ClinVar ID: VCV000177753) and different missense changes at the same codon (p.Arg1045His, p.Arg1045Leu / ClinVar ID: VCV000042948, VCV000651054) have been previously reported as pathogenic/likely pathogenic with strong evidence. The variant has been observed in multiple (>3) similarly affected unrelated individuals (PMID: 18533079, 24510615, 27532257, 30297972). Therefore, this variant is classified as Likely pathogenic according to the recommendation of ACMG/AMP guideline.

AiLife Diagnostics
Classification: Uncertain significance. Last evaluated: 2021-12-27. Review status: criteria provided, single submitter. Criteria: ACMG Guidelines, 2015. Collection method: clinical testing. Allele origin: germline. Affected: yes. Observed: 1 variant allele. Not counted in ClinVar's aggregate classification.

Human Genome Sequencing Center Clinical Lab, Baylor College of Medicine
Classification: Likely pathogenic for Hypertrophic cardiomyopathy 1. Last evaluated: 2020-06-11. Review status: criteria provided, single submitter. Criteria: ACMG Guidelines, 2015. Collection method: clinical testing. Allele origin: germline. Not counted in ClinVar's aggregate classification.
Comment: This c.3133C>T (p.Arg1045Cys) variant in the MYH7 gene has been reported in multiple individuals affected with hypertrophic cardiomyopathy (PMID 18533079, 24510615, 27247418, 27483260, 27532257, 27600940, 30297972). This variant is rare in the general population (8/282850 alleles in gnomAD). Two additional missense substitutions at this codon (p.Arg1045Leu, p.Arg1045His) have been reported in individuals affected with hypertrophic cardiomyopathy (PMID 26199943, 27247418, 27532257). In-silico predictions suggest a damaging effect of this variant. The c.3133C>T (p.Arg1045Cys) variant in the MYH7 gene is thus classified as likely pathogenic.

Laboratory for Molecular Medicine, Mass General Brigham Personalized Medicine
Classification: Likely pathogenic for Hypertrophic cardiomyopathy. Last evaluated: 2020-04-15. Review status: criteria provided, single submitter. Criteria: LMM Criteria. Collection method: clinical testing. Allele origin: germline. Inheritance: Autosomal dominant inheritance. Observed: 7 variant alleles. Not counted in ClinVar's aggregate classification.
Comment: proposed classification - variant undergoing re-assessment, contact laboratory

CHEO Genetics Diagnostic Laboratory, Children's Hospital of Eastern Ontario
Classification: Likely pathogenic for Cardiomyopathy. Last evaluated: 2019-04-17. Review status: criteria provided, single submitter. Criteria: ACMG Guidelines, 2015. Collection method: clinical testing. Allele origin: germline. Not counted in ClinVar's aggregate classification.

CeGaT Center for Human Genetics Tuebingen
Classification: Likely pathogenic. Last evaluated: 2018-02-01. Review status: criteria provided, single submitter. Criteria: CeGaT Center For Human Genetics Tuebingen Variant Classification Criteria Version 2. Collection method: clinical testing. Allele origin: germline. Affected: yes. Observed: 1 variant allele. Not counted in ClinVar's aggregate classification.

Hong-Tao Li Lab, Institute of Brain Science and Brain-inspired Research, Shandong First Medical University & Shandong Academy of Medical Sciences China
Classification: Pathogenic for Myosin storage myopathy. Review status: no assertion criteria provided. Collection method: research. Allele origin: germline. Inheritance: Autosomal dominant inheritance. Affected: yes. Observed: 1 variant allele, 1 heterozygote. Not counted in ClinVar's aggregate classification.
Comment: Observed in affected individuals from a Pakistani neurodevelopmental-disorder research cohort of 263 individuals. Classification assigned using the ACMG/AMP framework. Population-frequency evidence: gnomAD AF 2.828e-05.

Literature cited by the submitters: PubMed 29300372 (cited by 4 submitters); PubMed 26199943 (cited by Labcorp Genetics (formerly Invitae), Labcorp); PubMed 27247418 (cited by 4 submitters); PubMed 27532257 (cited by 6 submitters); PubMed 18533079 (cited by 5 submitters); PubMed 21832052 (cited by Color Diagnostics, LLC DBA Color Health and Ambry Genetics); PubMed 24510615 (cited by 4 submitters); PubMed 27483260 (cited by 3 submitters); PubMed 27600940 (cited by 3 submitters); PubMed 28005231 (cited by 3 submitters); PubMed 32894683 (cited by Color Diagnostics, LLC DBA Color Health and AiLife Diagnostics); PubMed 33495596 (cited by Color Diagnostics, LLC DBA Color Health); PubMed 33495597 (cited by Color Diagnostics, LLC DBA Color Health); PubMed 37461109 (cited by Color Diagnostics, LLC DBA Color Health); PubMed 20215591 (cited by Ambry Genetics and Laboratory for Molecular Medicine, Mass General Brigham Personalized Medicine); PubMed 21483645 (cited by Ambry Genetics and Laboratory for Molecular Medicine, Mass General Brigham Personalized Medicine); PubMed 22763267 (cited by Ambry Genetics and AiLife Diagnostics); PubMed 24793961 (cited by Ambry Genetics and AiLife Diagnostics); PubMed 26332594 (cited by Ambry Genetics and AiLife Diagnostics); PubMed 30297972 (cited by 3billion); PubMed 34135346 (cited by AiLife Diagnostics); PubMed 31517061 (cited by AiLife Diagnostics); PubMed 33087929 (cited by AiLife Diagnostics).